The following is an entry in ClinVar:

NM_018993.4(RIN2):c.77C>T (p.Ser26Leu)

Gene: RIN2 (Ras and Rab interactor 2; plus strand). Cytogenetic location: 20p11.23.
Variant type: single nucleotide variant.
Coding change: c.77C>T on transcript NM_018993.4 (MANE Select); coding-DNA position 77, C replaced by T.
Protein change: p.Ser26Leu; replaces serine 26 with leucine.
Molecular consequence: missense variant. On other transcripts: 5 prime UTR variant (1).
Genome position (GRCh38, 1-based): chr20:19,935,118, C>T. VCF-style: chr20-19935118-C-T. GRCh37 (hg19) VCF-style: chr20-19915762-C-T.
Other names: c.224C>T, p.Ser75Leu (NM_001242581.2); c.-469C>T (NM_001378238.1); short protein forms S26L, S75L.
Identifiers: ClinVar variation 515801 (VCV000515801.46), dbSNP rs577973228, ClinGen allele CA9779712.

ClinVar aggregate classification (germline): Conflicting classifications of pathogenicity. Review status: criteria provided, conflicting classifications (1 of 4 stars). 3 submissions from 3 submitters: Uncertain significance (2); Likely benign (1). Last evaluated 2023-10-25.

Allele frequency attached by ClinVar (database versions not stated): TOPMed 0.00008; 1000 Genomes Project 30x 0.00016; 1000 Genomes Project 0.00020.
gnomAD v4.1: 228 of 1,600,250 alleles (0.014%); highest among the groups gnomAD compares: South Asian, 0.04%; 1 homozygote.

Submissions (3):

Labcorp Genetics (formerly Invitae), Labcorp
Classification: Uncertain significance. Last evaluated: 2023-10-25. Review status: criteria provided, single submitter. Criteria: Invitae Variant Classification Sherloc (09022015). Collection method: clinical testing. Allele origin: germline.
Comment: This sequence change replaces serine, which is neutral and polar, with leucine, which is neutral and non-polar, at codon 26 of the RIN2 protein (p.Ser26Leu). This variant is present in population databases (rs577973228, gnomAD 0.06%), including at least one homozygous and/or hemizygous individual. This missense change has been observed in individual(s) with clinical features of RIN2-related conditions (PMID: 35903967). ClinVar contains an entry for this variant (Variation ID: 515801). Experimental studies and prediction algorithms are not available or were not evaluated, and the functional significance of this variant is currently unknown. In summary, the available evidence is currently insufficient to determine the role of this variant in disease. Therefore, it has been classified as a Variant of Uncertain Significance.

CeGaT Center for Human Genetics Tuebingen
Classification: Uncertain significance. Last evaluated: 2018-05-01. Review status: criteria provided, single submitter. Criteria: CeGaT Center For Human Genetics Tuebingen Variant Classification Criteria Version 2. Collection method: clinical testing. Allele origin: germline. Affected: yes. Observed: 2 variant alleles.

GeneDx
Classification: Likely benign. Last evaluated: 2018-03-09. Review status: criteria provided, single submitter. Criteria: GeneDx Variant Classification (06012015). Collection method: clinical testing. Allele origin: germline. Affected: yes.
Comment: This variant is considered likely benign or benign based on one or more of the following criteria: it is a conservative change, it occurs at a poorly conserved position in the protein, it is predicted to be benign by multiple in silico algorithms, and/or has population frequency not consistent with disease.

Literature cited by the submitters: PubMed 35903967 (cited by Labcorp Genetics (formerly Invitae), Labcorp).